The following is an entry in ClinVar:

NM_004004.6(GJB2):c.*104A>T

Gene: GJB2 (gap junction protein beta 2; minus strand). Cytogenetic location: 13q12.11.
Variant type: single nucleotide variant.
Coding change: c.*104A>T on transcript NM_004004.6 (MANE Select); 104 bases downstream of the stop codon, A replaced by T.
Molecular consequence: 3 prime UTR variant.
Genome position (GRCh38, 1-based): chr13:20,188,797, T>A on the plus strand (A>T on the coding strand, the complement: GJB2 is on the minus strand). VCF-style: chr13-20188797-T-A. GRCh37 (hg19) VCF-style: chr13-20762936-T-A.
Identifiers: ClinVar variation 311371 (VCV000311371.8), dbSNP rs7337074, ClinGen allele CA10643943.
Genomic context (GRCh38, chr13:20,188,797, plus strand): 5'-GCATCTGGAGTTTCACCTGAGGCCTACAGGGGTTTCAAATGGTTGCATTTAAGGTCAGAA[T>A]CTTTGTGTTGGGAAATGCTAGCGACTGAGCCTTGACAGCTGAGCACGGGTTGCCTCATCC-3'

ClinVar aggregate classification (germline): Benign. Review status: criteria provided, multiple submitters, no conflicts (2 of 4 stars). 5 submissions from 3 submitters: Benign (5). Last evaluated 2018-06-24.

Conditions:
Autosomal recessive nonsyndromic hearing loss 1A (DFNB1A). Also called: GJB6-Related DFNB 1 Nonsyndromic Hearing Loss and Deafness; Deafness, autosomal recessive 1A; Nonsyndromic Hearing Loss and Deafness, DFNB1; GJB2-Related Autosomal Recessive Nonsyndromic Hearing Loss; Connexin 26 deafness; Deafness nonsyndromic, Connexin 26 linked. Identifiers: Orphanet 90636, MedGen C2673759, MONDO:0009076, OMIM 220290.
Ichthyosis, hystrix-like, with hearing loss. Also called: Hystrix-like ichthyosis with deafness. Identifiers: Orphanet 477, MedGen C1865234, MONDO:0011245.
Autosomal dominant nonsyndromic hearing loss 3A. Identifiers: Orphanet 90635, MedGen C2675750, MONDO:0011103, OMIM 601544.

Allele frequency attached by ClinVar (database versions not stated): gnomAD 0.06800 and 0.06344; 1000 Genomes Project 0.06929; TOPMed 0.07235; gnomAD exomes 0.00711; 1000 Genomes Project 30x 0.07417.

Submissions (5):

GeneDx
Classification: Benign. Last evaluated: 2018-06-24. Review status: criteria provided, single submitter. Criteria: GeneDx Variant Classification Process June 2021. Collection method: clinical testing. Allele origin: germline. Affected: yes.

Illumina Laboratory Services, Illumina
Classification: Benign for Autosomal dominant keratitis-ichthyosis-hearing loss syndrome. Last evaluated: 2017-04-27. Review status: criteria provided, single submitter. Criteria: ICSL Variant Classification Criteria 13 December 2019. Collection method: clinical testing. Allele origin: germline.
Comment: This variant was observed as part of a predisposition screen in an ostensibly healthy population. A literature search was performed for the gene, cDNA change, and amino acid change (where applicable). No publications were found based on this search. Allele frequency data from public databases was too high to be consistent with this variant causing disease. Therefore, this variant is classified as benign.

Illumina Laboratory Services, Illumina
Classification: Benign for Autosomal dominant nonsyndromic hearing loss 3A. Last evaluated: 2017-04-27. Review status: criteria provided, single submitter. Criteria: ICSL Variant Classification Criteria 13 December 2019. Collection method: clinical testing. Allele origin: germline.
Comment: the same text as in the submission from Illumina Laboratory Services, Illumina above.

Illumina Laboratory Services, Illumina
Classification: Benign for Autosomal recessive nonsyndromic hearing loss 1A. Last evaluated: 2017-04-27. Review status: criteria provided, single submitter. Criteria: ICSL Variant Classification Criteria 13 December 2019. Collection method: clinical testing. Allele origin: germline.
Comment: This variant was observed as part of a predisposition screen in an ostensibly healthy population. A literature search was performed for the gene, cDNA change, and amino acid change (where applicable). Publications were found based on this search. The evidence from the literature, in combination with allele frequency data from public databases where available, was sufficient to rule this variant out of causing disease. Therefore, this variant is classified as benign.

Breakthrough Genomics
Classification: Benign. Review status: criteria provided, single submitter. Criteria: ACMG Guidelines, 2015. Collection method: not provided. Allele origin: germline. Inheritance: Autosomal recessive inheritance. Affected: yes.

Literature cited by the submitters: PubMed 20650534 (cited by Illumina Laboratory Services, Illumina); PubMed 22567369 (cited by Illumina Laboratory Services, Illumina).